The following is an entry in ClinVar:

ClinVar aggregate classification (germline): Uncertain significance. Review status: criteria provided, multiple submitters, no conflicts (2 of 4 stars). 2 submissions from 2 submitters: Uncertain significance (2). Last evaluated 2024-10-14.

Allele frequency attached by ClinVar (database versions not stated): gnomAD 0.00003; TOPMed 0.00003; ExAC 0.00009.
gnomAD v4.1: 62 of 1,611,458 alleles (0.0038%); highest among the groups gnomAD compares: Non-Finnish European, 0.005%; no homozygotes.

Submissions (2):

Labcorp Genetics (formerly Invitae), Labcorp
Classification: Uncertain significance. Last evaluated: 2024-10-14. Review status: criteria provided, single submitter. Criteria: Invitae Variant Classification Sherloc (09022015). Collection method: clinical testing. Allele origin: germline.
Comment: This sequence change replaces threonine, which is neutral and polar, with serine, which is neutral and polar, at codon 371 of the PITRM1 protein (p.Thr371Ser). This variant is present in population databases (rs759660559, gnomAD 0.01%). This variant has not been reported in the literature in individuals affected with PITRM1-related conditions. ClinVar contains an entry for this variant (Variation ID: 2167475). An algorithm developed to predict the effect of missense changes on protein structure and function (PolyPhen-2) suggests that this variant¬†is likely to be tolerated. In summary, the available evidence is currently insufficient to determine the role of this variant in disease. Therefore, it has been classified as a Variant of Uncertain Significance.

Ambry Genetics
Classification: Uncertain significance. Last evaluated: 2024-07-10. Review status: criteria provided, single submitter. Criteria: Ambry Variant Classification Scheme 2023. Collection method: clinical testing. Allele origin: germline.

NM_014889.4(PITRM1):c.1207A>T (p.Thr403Ser)

Gene: PITRM1 (pitrilysin metallopeptidase 1; minus strand). Cytogenetic location: 10p15.2.
Variant type: single nucleotide variant.
Coding change: c.1207A>T on transcript NM_014889.4 (MANE Select); coding-DNA position 1207, A replaced by T.
Protein change: p.Thr403Ser; replaces threonine 403 with serine.
Molecular consequence: missense variant. On other transcripts: 5 prime UTR variant (1), non-coding transcript variant (4).
Genome position (GRCh38, 1-based): chr10:3,158,083, T>A on the plus strand (A>T on the coding strand, the complement: PITRM1 is on the minus strand). VCF-style: chr10-3158083-T-A. GRCh37 (hg19) VCF-style: chr10-3200275-T-A.
Other names: c.1207A>T, p.Thr403Ser (NM_001242307.2, NM_001347725.2); c.1111A>T, p.Thr371Ser (NM_001242309.1); c.592A>T, p.Thr198Ser (NM_001347726.2, NM_001347727.2); c.-94A>T (NM_001347728.2); c.1183A>T, p.Thr395Ser (NM_001347729.1, NM_001347730.1); c.1207A>T (NM_001242307.1); short protein forms T198S, T403S, T371S, T395S.
Identifiers: ClinVar variation 2167475 (VCV002167475.4), dbSNP rs759660559, ClinGen allele CA5387892.